The following is an entry in ClinVar:

ClinVar aggregate classification (germline): Conflicting classifications of pathogenicity. Review status: criteria provided, conflicting classifications (1 of 4 stars). 2 submissions from 2 submitters: Uncertain significance (1); Likely benign (1). Last evaluated 2022-07-12.

Conditions:
Catecholaminergic polymorphic ventricular tachycardia 1. Also called: RYR2-Related Catecholaminergic Polymorphic Ventricular Tachycardia; VENTRICULAR TACHYCARDIA, CATECHOLAMINERGIC POLYMORPHIC, 1, WITH OR WITHOUT ATRIAL DYSFUNCTION AND/OR DILATED CARDIOMYOPATHY; VENTRICULAR TACHYCARDIA, STRESS-INDUCED POLYMORPHIC 1. Identifiers: Orphanet 3286, MedGen C1631597, MONDO:0011484, OMIM 604772.
Cardiovascular phenotype. Identifiers: MedGen CN230736.

Allele frequency attached by ClinVar (database versions not stated): gnomAD exomes 0.00001; TOPMed 0.00002.
gnomAD v4.1: 2 of 1,610,440 alleles (0.00012%); highest among the groups gnomAD compares: African/African-American, 0.0027%; no homozygotes.

Submissions (2):

Labcorp Genetics (formerly Invitae), Labcorp
Classification: Likely benign for Catecholaminergic polymorphic ventricular tachycardia 1. Last evaluated: 2022-07-12. Review status: criteria provided, single submitter. Criteria: Invitae Variant Classification Sherloc (09022015). Collection method: clinical testing. Allele origin: germline.

Ambry Genetics
Classification: Uncertain significance for Cardiovascular phenotype. Last evaluated: 2020-02-26. Review status: criteria provided, single submitter. Criteria: Ambry Variant Classification Scheme 2023. Collection method: clinical testing. Allele origin: germline.
Comment: The p.R2931L variant (also known as c.8792G>T), located in coding exon 60 of the RYR2 gene, results from a G to T substitution at nucleotide position 8792. The arginine at codon 2931 is replaced by leucine, an amino acid with dissimilar properties. This amino acid position is not well conserved in available vertebrate species. In addition, this alteration is predicted to be tolerated by in silico analysis. Since supporting evidence is limited at this time, the clinical significance of this alteration remains unclear.

NM_001035.3(RYR2):c.8792G>T (p.Arg2931Leu)

Gene: RYR2 (ryanodine receptor 2; plus strand). Cytogenetic location: 1q43.
Variant type: single nucleotide variant.
Coding change: c.8792G>T on transcript NM_001035.3 (MANE Select); coding-DNA position 8792, G replaced by T.
Protein change: p.Arg2931Leu; replaces arginine 2931 with leucine.
Molecular consequence: missense variant.
Genome position (GRCh38, 1-based): chr1:237,674,808, G>T. VCF-style: chr1-237674808-G-T. GRCh37 (hg19) VCF-style: chr1-237838108-G-T.
Other names: short protein forms R2931L.
Identifiers: ClinVar variation 1003697 (VCV001003697.12), dbSNP rs905226907, ClinGen allele CA39819868.